The following is an entry in ClinVar:

ClinVar aggregate classification (germline): Uncertain significance (1 of 4 stars; one submission).

Conditions:
Familial thoracic aortic aneurysm and aortic dissection (TAAD). Also called: Thoracic aortic aneurysms and dissections. Identifiers: Orphanet 91387, MedGen C4707243, MONDO:0019625.

Submission:

Ambry Genetics
Classification: Uncertain significance for Familial thoracic aortic aneurysm and aortic dissection. Last evaluated: 2022-05-06. Review status: criteria provided, single submitter. Criteria: Ambry Variant Classification Scheme 2023. Collection method: clinical testing. Allele origin: germline.
Comment: The p.D1200E variant (also known as c.3600C>G), located in coding exon 22 of the NOTCH1 gene, results from a C to G substitution at nucleotide position 3600. The aspartic acid at codon 1200 is replaced by glutamic acid, an amino acid with highly similar properties. This amino acid position is conserved. In addition, the in silico prediction for this alteration is inconclusive. Since supporting evidence is limited at this time, the clinical significance of this alteration remains unclear.

NM_017617.5(NOTCH1):c.3600C>G (p.Asp1200Glu)

Gene: NOTCH1 (notch receptor 1; minus strand). Cytogenetic location: 9q34.3.
Variant type: single nucleotide variant.
Coding change: c.3600C>G on transcript NM_017617.5 (MANE Select); coding-DNA position 3600, C replaced by G.
Protein change: p.Asp1200Glu; replaces aspartic acid 1200 with glutamic acid.
Molecular consequence: missense variant.
Genome position (GRCh38, 1-based): chr9:136,507,348, G>C on the plus strand (C>G on the coding strand, the complement: NOTCH1 is on the minus strand). VCF-style: chr9-136507348-G-C. GRCh37 (hg19) VCF-style: chr9-139401800-G-C.
Other names: short protein forms D1200E.
Identifiers: ClinVar variation 1733095 (VCV001733095.2), dbSNP rs2133345121, ClinGen allele CA375549752.